The following is an entry in ClinVar:

ClinVar aggregate classification (germline): Uncertain significance (1 of 4 stars; one submission).

Submission:

GeneDx
Classification: Uncertain significance. Last evaluated: 2025-10-31. Review status: criteria provided, single submitter. Criteria: GeneDx Variant Classification Process June 2021. Collection method: clinical testing. Allele origin: germline.
Comment: Not observed at significant frequency in large population cohorts (gnomAD); In silico analysis suggests that this missense variant does not alter protein structure/function; Has not been previously published as pathogenic or benign to our knowledge

NM_001395159.1(UNC79):c.3713A>G (p.Lys1238Arg)

Gene: UNC79 (unc-79 subunit of NALCN channel complex; plus strand). Cytogenetic location: 14q32.12.
Variant type: single nucleotide variant.
Coding change: c.3713A>G on transcript NM_001395159.1 (MANE Select); coding-DNA position 3713, A replaced by G.
Protein change: p.Lys1238Arg; replaces lysine 1238 with arginine.
Molecular consequence: missense variant.
Genome position (GRCh38, 1-based): chr14:93,603,377, A>G. VCF-style: chr14-93603377-A-G. GRCh37 (hg19) VCF-style: chr14-94069723-A-G.
Other names: c.3713A>G, p.Lys1238Arg (NM_001346218.2); c.3182A>G, p.Lys1061Arg (NM_020818.5); short protein forms K1061R, K1238R.
Identifiers: ClinVar variation 3368084 (VCV003368084.2).